The following is an entry in ClinVar:

NM_007074.4(CORO1A):c.596G>A (p.Arg199His)

Genes: CORO1A (coronin 1A; plus strand), LOC121587541 (Sharpr-MPRA regulatory region 7413; plus strand). Cytogenetic location: 16p11.2.
Variant type: single nucleotide variant.
Coding change: c.596G>A on transcript NM_007074.4 (MANE Select); coding-DNA position 596, G replaced by A.
Protein change: p.Arg199His; replaces arginine 199 with histidine.
Molecular consequence: missense variant.
Genome position (GRCh38, 1-based): chr16:30,187,183, G>A. VCF-style: chr16-30187183-G-A. GRCh37 (hg19) VCF-style: chr16-30198504-G-A.
Other names: c.596G>A, p.Arg199His (NM_001193333.3); short protein forms R199H.
Identifiers: ClinVar variation 1425618 (VCV001425618.3), dbSNP rs548533633, ClinGen allele CA280450063.

ClinVar aggregate classification (germline): Uncertain significance (1 of 4 stars; one submission).

Conditions:
Severe combined immunodeficiency due to CORO1A deficiency. Also called: IMMUNODEFICIENCY 8 WITH LYMPHOPROLIFERATION; Immunodeficiency 8. Identifiers: Orphanet 228003, MedGen C3809383, MONDO:0014168, OMIM 615401.

Allele frequency attached by ClinVar (database versions not stated): gnomAD exomes 0.00001 and 0.00003; TOPMed 0.00001.
gnomAD v4.1: 9 of 1,613,688 alleles (0.00056%); highest among the groups gnomAD compares: Admixed American, 0.0033%; no homozygotes.

Submission:

Labcorp Genetics (formerly Invitae), Labcorp
Classification: Uncertain significance for Severe combined immunodeficiency due to CORO1A deficiency. Last evaluated: 2021-08-08. Review status: criteria provided, single submitter. Criteria: Invitae Variant Classification Sherloc (09022015). Collection method: clinical testing. Allele origin: germline.
Comment: This sequence change replaces arginine with histidine at codon 199 of the CORO1A protein (p.Arg199His). The arginine residue is moderately conserved and there is a small physicochemical difference between arginine and histidine. This variant is not present in population databases (ExAC no frequency). This missense change has been observed in individual(s) with hemophagocytic lymphohistiocytosis (PMID: 30899265). Algorithms developed to predict the effect of missense changes on protein structure and function output the following: SIFT: "Deleterious"; PolyPhen-2: "Benign"; Align-GVGD: "Class C0". The histidine amino acid residue is found in multiple mammalian species, which suggests that this missense change does not adversely affect protein function. In summary, the available evidence is currently insufficient to determine the role of this variant in disease. Therefore, it has been classified as a Variant of Uncertain Significance.

Literature cited by the submitters: PubMed 30899265.